The following is an entry in ClinVar:

ClinVar aggregate classification (germline): Uncertain significance (1 of 4 stars; one submission).

Submission:

CeGaT Center for Human Genetics Tuebingen
Classification: Uncertain significance. Last evaluated: 2025-08-01. Review status: criteria provided, single submitter. Criteria: CeGaT Center For Human Genetics Tuebingen Variant Classification Criteria Version 2. Collection method: clinical testing. Allele origin: germline. Affected: yes. Observed: 1 variant allele.
Comment: MSH3: PM2, BP4

NM_002439.5(MSH3):c.580-3C>T

Gene: MSH3 (mutS homolog 3; plus strand). Cytogenetic location: 5q14.1.
Variant type: single nucleotide variant.
Coding change: c.580-3C>T on transcript NM_002439.5 (MANE Select); 3 bases into the intron before coding-DNA position 580, C replaced by T.
Molecular consequence: intron variant.
Genome position (GRCh38, 1-based): chr5:80,670,094, C>T. VCF-style: chr5-80670094-C-T. GRCh37 (hg19) VCF-style: chr5-79965913-C-T.
Identifiers: ClinVar variation 4085616 (VCV004085616.8).